The following is an entry in ClinVar:

ClinVar aggregate classification (germline): Uncertain significance (1 of 4 stars; one submission).

Conditions:
Brody myopathy. Also called: BRODY DISEASE. Identifiers: Orphanet 53347, MedGen C1832918, MONDO:0010977, OMIM 601003.

Submission:

Labcorp Genetics (formerly Invitae), Labcorp
Classification: Uncertain significance for Brody myopathy. Last evaluated: 2022-06-20. Review status: criteria provided, single submitter. Criteria: Invitae Variant Classification Sherloc (09022015). Collection method: clinical testing. Allele origin: germline.
Comment: In summary, the available evidence is currently insufficient to determine the role of this variant in disease. Therefore, it has been classified as a Variant of Uncertain Significance. Algorithms developed to predict the effect of missense changes on protein structure and function are either unavailable or do not agree on the potential impact of this missense change (SIFT: "Deleterious"; PolyPhen-2: "Probably Damaging"; Align-GVGD: "Class C0"). This variant has not been reported in the literature in individuals affected with ATP2A1-related conditions. This variant is not present in population databases (gnomAD no frequency). This sequence change replaces proline, which is neutral and non-polar, with arginine, which is basic and polar, at codon 147 of the ATP2A1 protein (p.Pro147Arg).

NM_004320.6(ATP2A1):c.440C>G (p.Pro147Arg)

Gene: ATP2A1 (ATPase sarcoplasmic/endoplasmic reticulum Ca2+ transporting 1; plus strand). Cytogenetic location: 16p11.2.
Variant type: single nucleotide variant.
Coding change: c.440C>G on transcript NM_004320.6 (MANE Select); coding-DNA position 440, C replaced by G.
Protein change: p.Pro147Arg; replaces proline 147 with arginine.
Molecular consequence: missense variant.
Genome position (GRCh38, 1-based): chr16:28,882,566, C>G. VCF-style: chr16-28882566-C-G. GRCh37 (hg19) VCF-style: chr16-28893887-C-G.
Other names: c.440C>G, p.Pro147Arg (NM_173201.5); c.65C>G, p.Pro22Arg (NM_001286075.2); short protein forms P147R, P22R.
Identifiers: ClinVar variation 1398709 (VCV001398709.8), dbSNP rs2152200222, ClinGen allele CA395401272.
Genomic context (GRCh38, chr16:28,882,566, plus strand): 5'-GGAAGGTCTACCGGGCTGACCGCAAGTCAGTGCAAAGGATCAAGGCTCGGGACATCGTCC[C>G]TGGGGACATCGTGGAGGTGGCTGGTGAGTGACAGGGACGGCTGGTCCAGGATGGGAGGCC-3'
Protein context (NP_004311.1, residues 137-157): VQRIKARDIV[Pro147Arg]GDIVEVAVGD